The following is an entry in ClinVar:

NM_000702.4(ATP1A2):c.1022G>T (p.Cys341Phe)

Gene: ATP1A2 (ATPase Na+/K+ transporting subunit alpha 2; plus strand). Cytogenetic location: 1q23.2.
Variant type: single nucleotide variant.
Coding change: c.1022G>T on transcript NM_000702.4 (MANE Select); coding-DNA position 1022, G replaced by T.
Protein change: p.Cys341Phe; replaces cysteine 341 with phenylalanine.
Molecular consequence: missense variant.
Genome position (GRCh38, 1-based): chr1:160,128,656, G>T. VCF-style: chr1-160128656-G-T. GRCh37 (hg19) VCF-style: chr1-160098446-G-T.
Other names: short protein forms C341F.
Identifiers: ClinVar variation 383452 (VCV000383452.5), dbSNP rs1057521630, ClinGen allele CA16603440.

ClinVar aggregate classification (germline): Pathogenic/Likely pathogenic. Review status: criteria provided, multiple submitters, no conflicts (2 of 4 stars). 3 submissions from 3 submitters: Pathogenic (1); Likely pathogenic (1). 1 of the submissions does not count toward it. Last evaluated 2025-06-10.

Conditions:
ATP1A2-related disorder. Also called: ATP1A2-RELATED DISORDERS; ATP1A2-related condition.
Developmental and epileptic encephalopathy 98. Identifiers: MedGen C5562017, MONDO:0030472, OMIM 619605.

Submissions (3):

GeneDx
Classification: Pathogenic. Last evaluated: 2025-06-10. Review status: criteria provided, single submitter. Criteria: GeneDx Variant Classification Process June 2021. Collection method: clinical testing. Allele origin: germline. Affected: yes.
Comment: Published functional studies demonstrate a damaging effect where the p.C341F variant showed a nearly complete loss of relative phosphorylation resulting in insufficient transport activity (PMID: 33880529); In silico analysis supports that this missense variant has a deleterious effect on protein structure/function; Not observed at significant frequency in large population cohorts (gnomAD); This variant is associated with the following publications: (PMID: 33057194, 35982159, 18184292, 33880529)

PreventionGenetics, part of Exact Sciences
Classification: Likely pathogenic for ATP1A2-related condition. Last evaluated: 2025-04-07. Review status: criteria provided, single submitter. Criteria: ACMG Guidelines, 2015. Collection method: clinical testing. Allele origin: germline.
Comment: The ATP1A2 c.1022G>T variant is predicted to result in the amino acid substitution p.Cys341Phe. This variant has been reported to have arisen de novo in several unrelated individuals with developmental delay/intellectual disability or developmental and epileptic encephalopathies (Supplemental Table 1, Kaplanis et al. 2020. PubMed ID: 33057194; Suppl. Table 2, Vetro et al. 2021. PubMed ID: 33880529; Supplementary Data 3, Zhou et al. 2022. PubMed ID: 35982159). Functional studies showed that this variant resulted in impaired NKA pump activity and severe loss of function (Suppl. Table 2, Vetro et al. 2021. PubMed ID: 33880529). This variant has not been reported in a large population database (gnomAD), indicating this variant is rare. This variant is interpreted as likely pathogenic.

OMIM
Classification: Pathogenic for DEVELOPMENTAL AND EPILEPTIC ENCEPHALOPATHY 98. Last evaluated: 2021-11-10. Review status: no assertion criteria provided. Collection method: literature only. Allele origin: germline. Not counted in ClinVar's aggregate classification.

Literature cited by the submitters: PubMed 33880529 (cited by OMIM).